The following is an entry in ClinVar:

NM_182961.4(SYNE1):c.3956G>A (p.Ser1319Asn)

Gene: SYNE1 (spectrin repeat containing nuclear envelope protein 1; minus strand). Cytogenetic location: 6q25.2.
Variant type: single nucleotide variant.
Coding change: c.3956G>A on transcript NM_182961.4 (MANE Select); coding-DNA position 3956, G replaced by A.
Protein change: p.Ser1319Asn; replaces serine 1319 with asparagine.
Molecular consequence: missense variant.
Genome position (GRCh38, 1-based): chr6:152,442,127, C>T on the plus strand (G>A on the coding strand, the complement: SYNE1 is on the minus strand). VCF-style: chr6-152442127-C-T. GRCh37 (hg19) VCF-style: chr6-152763262-C-T.
Other names: c.3977G>A, p.Ser1326Asn (NM_033071.5); short protein forms S1326N, S1319N.
Identifiers: ClinVar variation 1968331 (VCV001968331.5), dbSNP rs754976994, ClinGen allele CA366146561.

ClinVar aggregate classification (germline): Uncertain significance (1 of 4 stars; one submission).

Conditions:
Emery-Dreifuss muscular dystrophy 4, autosomal dominant (EDMD4). Also called: EMERY-DREIFUSS MUSCULAR DYSTROPHY 4 WITH VARIABLE FEATURES. Identifiers: Orphanet 261, MedGen C2751807, MONDO:0013071, OMIM 612998.
Autosomal recessive ataxia, Beauce type. Also called: SYNE1 Deficiency; Spinocerebellar ataxia, autosomal recessive 8; ATAXIA, RECESSIVE, OF BEAUCE; SYNE1-Related Autosomal Recessive Cerebellar Ataxia. Identifiers: Orphanet 88644, MedGen C1853116, MONDO:0012549, OMIM 610743.

gnomAD v4.1: 3 of 1,614,056 alleles (0.00019%); highest among the groups gnomAD compares: Non-Finnish European, 0.00025%; no homozygotes.

Submission:

Labcorp Genetics (formerly Invitae), Labcorp
Classification: Uncertain significance for Emery-Dreifuss muscular dystrophy 4, autosomal dominant; Autosomal recessive ataxia, Beauce type. Last evaluated: 2024-02-24. Review status: criteria provided, single submitter. Criteria: Invitae Variant Classification Sherloc (09022015). Collection method: clinical testing. Allele origin: germline.
Comment: This sequence change replaces serine, which is neutral and polar, with asparagine, which is neutral and polar, at codon 1326 of the SYNE1 protein (p.Ser1326Asn). This variant is present in population databases (no rsID available, gnomAD 0.0009%). This variant has not been reported in the literature in individuals affected with SYNE1-related conditions. ClinVar contains an entry for this variant (Variation ID: 1968331). Algorithms developed to predict the effect of missense changes on protein structure and function output the following: SIFT: "Not Available"; PolyPhen-2: "Benign"; Align-GVGD: "Not Available". The asparagine amino acid residue is found in multiple mammalian species, which suggests that this missense change does not adversely affect protein function. In summary, the available evidence is currently insufficient to determine the role of this variant in disease. Therefore, it has been classified as a Variant of Uncertain Significance.